The following is an entry in ClinVar:

ClinVar aggregate classification (germline): Uncertain significance (1 of 4 stars; one submission).

Conditions:
Ataxia-telangiectasia syndrome (AT). Also called: Ataxia-telangiectasia, complementation group D; AT, COMPLEMENTATION GROUP C; ATAXIA-TELANGIECTASIA, COMPLEMENTATION GROUP A; ATAXIA-TELANGIECTASIA, FRESNO VARIANT; Ataxia-telangiectasia; Ataxia-telangiectasia, complementation group E. Identifiers: Orphanet 100, MedGen C0004135, MONDO:0008840, OMIM 208900.

Submission:

Labcorp Genetics (formerly Invitae), Labcorp
Classification: Uncertain significance for Ataxia-telangiectasia syndrome. Last evaluated: 2024-05-21. Review status: criteria provided, single submitter. Criteria: Invitae Variant Classification Sherloc (09022015). Collection method: clinical testing. Allele origin: germline.
Comment: This sequence change replaces valine, which is neutral and non-polar, with isoleucine, which is neutral and non-polar, at codon 2664 of the ATM protein (p.Val2664Ile). This variant is not present in population databases (gnomAD no frequency). This variant has not been reported in the literature in individuals affected with ATM-related conditions. An algorithm developed to predict the effect of missense changes on protein structure and function (PolyPhen-2) suggests that this variant is likely to be tolerated. In summary, the available evidence is currently insufficient to determine the role of this variant in disease. Therefore, it has been classified as a Variant of Uncertain Significance.

NM_000051.4(ATM):c.7990G>A (p.Val2664Ile)

Genes: ATM (ATM serine/threonine kinase; plus strand), C11orf65 (chromosome 11 open reading frame 65; minus strand). Cytogenetic location: 11q22.3.
Variant type: single nucleotide variant.
Coding change: c.7990G>A on transcript NM_000051.4 (MANE Select); coding-DNA position 7990, G replaced by A.
Protein change: p.Val2664Ile; replaces valine 2664 with isoleucine.
Molecular consequence: missense variant. On other transcripts: intron variant (2).
Genome position (GRCh38, 1-based): chr11:108,333,948, G>A. VCF-style: chr11-108333948-G-A. GRCh37 (hg19) VCF-style: chr11-108204675-G-A.
Other names: c.7990G>A, p.Val2664Ile (NM_001351834.2); c.641-24877C>T (NM_001330368.2); c.*38+1272C>T (NM_001351110.2); short protein forms V2664I.
Identifiers: ClinVar variation 3653983 (VCV003653983.2).